The following is an entry in ClinVar:

NM_001283009.2(RTEL1):c.3453G>C (p.Glu1151Asp)

Genes: RTEL1 (regulator of telomere elongation helicase 1; plus strand), RTEL1-TNFRSF6B (RTEL1-TNFRSF6B readthrough (NMD candidate); plus strand). Cytogenetic location: 20q13.33.
Variant type: single nucleotide variant.
Coding change: c.3453G>C on transcript NM_001283009.2 (MANE Select); coding-DNA position 3453, G replaced by C.
Protein change: p.Glu1151Asp; replaces glutamic acid 1151 with aspartic acid.
Molecular consequence: missense variant. On other transcripts: non-coding transcript variant (1).
Genome position (GRCh38, 1-based): chr20:63,695,175, G>C. VCF-style: chr20-63695175-G-C. GRCh37 (hg19) VCF-style: chr20-62326528-G-C.
Other names: c.2784G>C, p.Glu928Asp (NM_001283010.1); c.3453G>C, p.Glu1151Asp (NM_016434.4); c.3525G>C, p.Glu1175Asp (NM_032957.5); short protein forms E1151D, E928D, E1175D.
Identifiers: ClinVar variation 3948476 (VCV003948476.1).
Genomic context (GRCh38, chr20:63,695,175, plus strand): 5'-GTGCACAGACCTGACCGGCCGGCCCTACCCGGGCATGGAGCCACCGGGACCCCAGGAGGA[G>C]AGGCTTGCCGTGCCTCCTGTGCTTACCCACAGGGCTCCCCAACCAGGTAGGGCACCTGCC-3'
Protein context (NP_001269938.1, residues 1141-1161): PGMEPPGPQE[Glu1151Asp]RLAVPPVLTH

ClinVar aggregate classification (germline): Uncertain significance (1 of 4 stars; one submission).

Conditions:
Inborn genetic diseases. Identifiers: MedGen C0950123, MeSH D030342.

Submission:

Ambry Genetics
Classification: Uncertain significance for Inborn genetic diseases. Last evaluated: 2025-06-08. Review status: criteria provided, single submitter. Criteria: Ambry Variant Classification Scheme 2023. Collection method: clinical testing. Allele origin: germline.
Comment: The p.E1151D variant (also known as c.3453G>C), located in coding exon 32 of the RTEL1 gene, results from a G to C substitution at nucleotide position 3453. The glutamic acid at codon 1151 is replaced by aspartic acid, an amino acid with highly similar properties. This amino acid position is conserved. In addition, this alteration is predicted to be tolerated by in silico analysis. Based on the available evidence, the clinical significance of this variant remains unclear.